The following is an entry in ClinVar:

ClinVar aggregate classification (germline): Uncertain significance (1 of 4 stars; one submission).

Conditions:
MKKS-related disorder. Also called: MKKS-related disorders; MKKS-related condition.

Submission:

PreventionGenetics, part of Exact Sciences
Classification: Uncertain significance for MKKS-related condition. Last evaluated: 2025-01-24. Review status: criteria provided, single submitter. Criteria: ACMG Guidelines, 2015. Collection method: clinical testing. Allele origin: germline.
Comment: The MKKS c.1475A>T variant is predicted to result in the amino acid substitution p.Asp492Val. To our knowledge, this variant has not been reported in the literature or in a large population database (gnomAD), indicating this variant is rare. At this time, the clinical significance of this variant is uncertain due to the absence of conclusive functional and genetic evidence.

NM_170784.3(MKKS):c.1475A>T (p.Asp492Val)

Gene: MKKS (MKKS centrosomal shuttling protein; minus strand). Cytogenetic location: 20p12.2.
Variant type: single nucleotide variant.
Coding change: c.1475A>T on transcript NM_170784.3 (MANE Select); coding-DNA position 1475, A replaced by T.
Protein change: p.Asp492Val; replaces aspartic acid 492 with valine.
Molecular consequence: missense variant. On other transcripts: non-coding transcript variant (1).
Genome position (GRCh38, 1-based): chr20:10,405,485, T>A on the plus strand (A>T on the coding strand, the complement: MKKS is on the minus strand). VCF-style: chr20-10405485-T-A. GRCh37 (hg19) VCF-style: chr20-10386133-T-A.
Other names: c.1475A>T, p.Asp492Val (NM_018848.3); short protein forms D492V.
Identifiers: ClinVar variation 4996762 (VCV004996762.1).